The following is an entry in ClinVar:

NM_000288.4(PEX7):c.737G>T (p.Arg246Met)

Gene: PEX7 (peroxisomal biogenesis factor 7; plus strand). Cytogenetic location: 6q23.3.
Variant type: single nucleotide variant.
Coding change: c.737G>T on transcript NM_000288.4 (MANE Select); coding-DNA position 737, G replaced by T.
Protein change: p.Arg246Met; replaces arginine 246 with methionine.
Molecular consequence: missense variant.
Genome position (GRCh38, 1-based): chr6:136,869,993, G>T. VCF-style: chr6-136869993-G-T. GRCh37 (hg19) VCF-style: chr6-137191131-G-T.
Other names: short protein forms R246M.
Identifiers: ClinVar variation 1524800 (VCV001524800.8), dbSNP rs780186421, ClinGen allele CA365764139.

ClinVar aggregate classification (germline): Uncertain significance (1 of 4 stars; one submission).

Conditions:
Peroxisome biogenesis disorder 9B. Also called: PEX7-Related Refsum Disease; PEROXISOME BIOGENESIS DISORDER, PEX7-RELATED, ATYPICAL; Refsum disease, adult, 2. Identifiers: Orphanet 773, MedGen C2749346, MONDO:0013945, OMIM 614879.

Submission:

Labcorp Genetics (formerly Invitae), Labcorp
Classification: Uncertain significance for Peroxisome biogenesis disorder 9B. Last evaluated: 2022-11-01. Review status: criteria provided, single submitter. Criteria: Invitae Variant Classification Sherloc (09022015). Collection method: clinical testing. Allele origin: germline.
Comment: This variant has not been reported in the literature in individuals affected with PEX7-related conditions. This variant is not present in population databases (gnomAD no frequency). This sequence change replaces arginine, which is basic and polar, with methionine, which is neutral and non-polar, at codon 246 of the PEX7 protein (p.Arg246Met). ClinVar contains an entry for this variant (Variation ID: 1524800). In summary, the available evidence is currently insufficient to determine the role of this variant in disease. Therefore, it has been classified as a Variant of Uncertain Significance. Algorithms developed to predict the effect of missense changes on protein structure and function are either unavailable or do not agree on the potential impact of this missense change (SIFT: "Deleterious"; PolyPhen-2: "Probably Damaging"; Align-GVGD: "Class C0").